The following is an entry in ClinVar:

NM_000257.4(MYH7):c.2029G>A (p.Glu677Lys)

Gene: MYH7 (myosin heavy chain 7; minus strand). Cytogenetic location: 14q11.2.
Variant type: single nucleotide variant.
Coding change: c.2029G>A on transcript NM_000257.4 (MANE Select); coding-DNA position 2029, G replaced by A.
Protein change: p.Glu677Lys; replaces glutamic acid 677 with lysine.
Molecular consequence: missense variant.
Genome position (GRCh38, 1-based): chr14:23,426,792, C>T on the plus strand (G>A on the coding strand, the complement: MYH7 is on the minus strand). VCF-style: chr14-23426792-C-T. GRCh37 (hg19) VCF-style: chr14-23896001-C-T.
Other names: c.2029G>A, p.Glu677Lys (NM_001407004.1); short protein forms E677K.
Identifiers: ClinVar variation 2015951 (VCV002015951.4), dbSNP rs2502292337, ClinGen allele CA389049288.

ClinVar aggregate classification (germline): Uncertain significance (1 of 4 stars; one submission).

Conditions:
Hypertrophic cardiomyopathy. Also called: HYPERTROPHIC MYOCARDIOPATHY. Identifiers: Orphanet 217569, MedGen C0007194, MeSH D002312, MONDO:0005045, HP:0001639.

Submission:

Labcorp Genetics (formerly Invitae), Labcorp
Classification: Uncertain significance for Hypertrophic cardiomyopathy. Last evaluated: 2024-11-04. Review status: criteria provided, single submitter. Criteria: Invitae Variant Classification Sherloc (09022015). Collection method: clinical testing. Allele origin: germline.
Comment: This sequence change replaces glutamic acid, which is acidic and polar, with lysine, which is basic and polar, at codon 677 of the MYH7 protein (p.Glu677Lys). This variant is not present in population databases (gnomAD no frequency). This variant has not been reported in the literature in individuals affected with MYH7-related conditions. ClinVar contains an entry for this variant (Variation ID: 2015951). Invitae Evidence Modeling of protein sequence and biophysical properties (such as structural, functional, and spatial information, amino acid conservation, physicochemical variation, residue mobility, and thermodynamic stability) indicates that this missense variant is expected to disrupt MYH7 protein function with a positive predictive value of 95%. In summary, the available evidence is currently insufficient to determine the role of this variant in disease. Therefore, it has been classified as a Variant of Uncertain Significance.